The following is an entry in ClinVar:

NM_032043.3(BRIP1):c.35G>C (p.Gly12Ala)

Gene: BRIP1 (BRCA1 interacting DNA helicase 1; minus strand). Cytogenetic location: 17q23.2.
Variant type: single nucleotide variant.
Coding change: c.35G>C on transcript NM_032043.3 (MANE Select); coding-DNA position 35, G replaced by C.
Protein change: p.Gly12Ala; replaces glycine 12 with alanine.
Molecular consequence: missense variant.
Genome position (GRCh38, 1-based): chr17:61,861,505, C>G on the plus strand (G>C on the coding strand, the complement: BRIP1 is on the minus strand). VCF-style: chr17-61861505-C-G. GRCh37 (hg19) VCF-style: chr17-59938866-C-G.
Other names: short protein forms G12A.
Identifiers: ClinVar variation 1499647 (VCV001499647.11), dbSNP rs1555618733, ClinGen allele CA400486026.
Genomic context (GRCh38, chr17:61,861,505, plus strand): 5'-ACAGAATTCATCATAGCAAGCTGTGACGGGTAAGCTTTATAAGGAAAGTAAATCTTCACC[C>G]CACCAATTGTATATTCAGACCACATTGAAGACATAGTGCTTTCCTGTTTATTTCAGATTC-3'
Protein context (NP_114432.2, residues 2-22): SSMWSEYTIG[Gly12Ala]VKIYFPYKAY

ClinVar aggregate classification (germline): Uncertain significance. Review status: criteria provided, multiple submitters, no conflicts (2 of 4 stars). 2 submissions from 2 submitters: Uncertain significance (2). Last evaluated 2021-06-29.

Conditions:
Hereditary cancer-predisposing syndrome. Also called: Tumor predisposition; Hereditary neoplastic syndrome; Neoplastic Syndromes, Hereditary; Hereditary Cancer Syndrome. Identifiers: Orphanet 140162, MedGen C0027672, MeSH D009386, MONDO:0015356.
Fanconi anemia complementation group J. Also called: BRIP1-Related Fanconi Anemia. Identifiers: Orphanet 84, MedGen C1836860, MONDO:0012187, OMIM 609054.
Familial cancer of breast. Also called: hereditary breast carcinoma; Hereditary breast cancer; BREAST CANCER, FAMILIAL. Identifiers: Orphanet 227535, MedGen C0346153, MONDO:0016419, OMIM 114480. Disease mechanism: loss of function.

Submissions (2):

Ambry Genetics
Classification: Uncertain significance for Hereditary cancer-predisposing syndrome. Last evaluated: 2021-06-29. Review status: criteria provided, single submitter. Criteria: Ambry Variant Classification Scheme 2023. Collection method: clinical testing. Allele origin: germline.
Comment: The p.G12A variant (also known as c.35G>C), located in coding exon 1 of the BRIP1 gene, results from a G to C substitution at nucleotide position 35. The glycine at codon 12 is replaced by alanine, an amino acid with similar properties. This amino acid position is conserved. In addition, the in silico prediction for this alteration is inconclusive. Since supporting evidence is limited at this time, the clinical significance of this alteration remains unclear.

Labcorp Genetics (formerly Invitae), Labcorp
Classification: Uncertain significance for Familial cancer of breast; Fanconi anemia complementation group J. Last evaluated: 2021-04-22. Review status: criteria provided, single submitter. Criteria: Invitae Variant Classification Sherloc (09022015). Collection method: clinical testing. Allele origin: germline.
Comment: In summary, the available evidence is currently insufficient to determine the role of this variant in disease. Therefore, it has been classified as a Variant of Uncertain Significance. Algorithms developed to predict the effect of missense changes on protein structure and function are either unavailable or do not agree on the potential impact of this missense change (SIFT: "Deleterious"; PolyPhen-2: "Probably Damaging"; Align-GVGD: "Class C0"). This variant has not been reported in the literature in individuals with BRIP1-related conditions. This variant is not present in population databases (ExAC no frequency). This sequence change replaces glycine with alanine at codon 12 of the BRIP1 protein (p.Gly12Ala). The glycine residue is highly conserved and there is a small physicochemical difference between glycine and alanine.